The following is an entry in ClinVar:

NM_000278.5(PAX2):c.239C>A (p.Pro80Gln)

Gene: PAX2 (paired box 2; plus strand). Cytogenetic location: 10q24.31.
Variant type: single nucleotide variant.
Coding change: c.239C>A on transcript NM_000278.5 (MANE Select); coding-DNA position 239, C replaced by A.
Protein change: p.Pro80Gln; replaces proline 80 with glutamine.
Molecular consequence: missense variant.
Genome position (GRCh38, 1-based): chr10:100,750,720, C>A. VCF-style: chr10-100750720-C-A. GRCh37 (hg19) VCF-style: chr10-102510477-C-A.
Other names: c.332C>A, p.Pro111Gln (NM_001304569.2); c.239C>A, p.Pro80Gln (NM_003987.5, NM_003988.5, NM_003989.5 and 1 more transcripts); short protein forms P111Q, P80Q.
Identifiers: ClinVar variation 1077008 (VCV001077008.2), dbSNP rs1554856032, ClinGen allele CA378257842.

ClinVar aggregate classification (germline): Likely pathogenic. Review status: criteria provided, multiple submitters, no conflicts (2 of 4 stars). 2 submissions from 2 submitters: Likely pathogenic (2). Last evaluated 2019-08-23.

Conditions:
Focal segmental glomerulosclerosis 7 (FSGS7). Identifiers: Orphanet 656, MedGen C4014925, MONDO:0014451, OMIM 616002.
PAX2-Related Disorder. Also called: PAX2-related disorders. Identifiers: MedGen CN381309.

Submissions (2):

Blueprint Genetics
Classification: Likely pathogenic for PAX2-related disorders. Last evaluated: 2019-08-23. Review status: criteria provided, single submitter. Criteria: ACMG Guidelines, 2015. Collection method: clinical testing. Allele origin: germline. Affected: yes. Observed: 1 variant allele.

Precision Medicine Center, Zhengzhou University
Classification: Likely pathogenic for Focal segmental glomerulosclerosis 7. Review status: criteria provided, single submitter. Criteria: ACMG Guidelines, 2015. Collection method: research. Allele origin: germline. Affected: yes.
Comment: PM1:Mutational hot spot PM2:not found in gnomAD PM5:Another pathogenic missense variant at the same codon PP3:REVEL score >0.7